The following is an entry in ClinVar:

NM_030777.4(SLC2A10):c.1225C>T (p.Arg409Cys)

Gene: SLC2A10 (solute carrier family 2 member 10; plus strand). Cytogenetic location: 20q13.12.
Variant type: single nucleotide variant.
Coding change: c.1225C>T on transcript NM_030777.4 (MANE Select); coding-DNA position 1225, C replaced by T.
Protein change: p.Arg409Cys; replaces arginine 409 with cysteine.
Molecular consequence: missense variant.
Genome position (GRCh38, 1-based): chr20:46,726,261, C>T. VCF-style: chr20-46726261-C-T. GRCh37 (hg19) VCF-style: chr20-45354900-C-T.
Other names: p.R409C:CGC>TGC; short protein forms R409C.
Identifiers: ClinVar variation 213724 (VCV000213724.17), dbSNP rs562212724, ClinGen allele CA322710.

ClinVar aggregate classification (germline): Uncertain significance. Review status: criteria provided, multiple submitters, no conflicts (2 of 4 stars). 4 submissions from 4 submitters: Uncertain significance (4). Last evaluated 2026-01-11.

Conditions:
Familial thoracic aortic aneurysm and aortic dissection (TAAD). Also called: Thoracic aortic aneurysms and dissections. Identifiers: Orphanet 91387, MedGen C4707243, MONDO:0019625.
Arterial tortuosity syndrome (ATORS). Identifiers: Orphanet 3342, MedGen C1859726, MONDO:0008818, OMIM 208050.

Allele frequency attached by ClinVar (database versions not stated): ExAC 0.00005; gnomAD 0.00009; TOPMed 0.00009; 1000 Genomes Project 30x 0.00016; 1000 Genomes Project 0.00020.

Submissions (4):

GeneDx
Classification: Uncertain significance. Last evaluated: 2026-01-11. Review status: criteria provided, single submitter. Criteria: GeneDx Variant Classification Process June 2021. Collection method: clinical testing. Allele origin: germline. Affected: yes.
Comment: In silico analysis supports that this missense variant has a deleterious effect on protein structure/function; Has not been previously published as pathogenic or benign to our knowledge

Ambry Genetics
Classification: Uncertain significance for Familial thoracic aortic aneurysm and aortic dissection. Last evaluated: 2024-07-07. Review status: criteria provided, single submitter. Criteria: Ambry Variant Classification Scheme 2023. Collection method: clinical testing. Allele origin: germline.
Comment: The p.R409C variant (also known as c.1225C>T), located in coding exon 2 of the SLC2A10 gene, results from a C to T substitution at nucleotide position 1225. The arginine at codon 409 is replaced by cysteine, an amino acid with highly dissimilar properties. This amino acid position is conserved. In addition, this alteration is predicted to be tolerated by in silico analysis. Since supporting evidence is limited at this time, the clinical significance of this alteration remains unclear.

Labcorp Genetics (formerly Invitae), Labcorp
Classification: Uncertain significance for Arterial tortuosity syndrome. Last evaluated: 2021-12-24. Review status: criteria provided, single submitter. Criteria: Invitae Variant Classification Sherloc (09022015). Collection method: clinical testing. Allele origin: germline.
Comment: This sequence change replaces arginine, which is basic and polar, with cysteine, which is neutral and slightly polar, at codon 409 of the SLC2A10 protein (p.Arg409Cys). This variant is present in population databases (rs562212724, gnomAD 0.04%). This variant has not been reported in the literature in individuals affected with SLC2A10-related conditions. ClinVar contains an entry for this variant (Variation ID: 213724). Advanced modeling of protein sequence and biophysical properties (such as structural, functional, and spatial information, amino acid conservation, physicochemical variation, residue mobility, and thermodynamic stability) performed at Invitae indicates that this missense variant is not expected to disrupt SLC2A10 protein function. In summary, the available evidence is currently insufficient to determine the role of this variant in disease. Therefore, it has been classified as a Variant of Uncertain Significance.

Illumina Laboratory Services, Illumina
Classification: Uncertain significance for Arterial tortuosity syndrome. Last evaluated: 2018-01-12. Review status: criteria provided, single submitter. Criteria: ICSL Variant Classification Criteria 13 December 2019. Collection method: clinical testing. Allele origin: germline.